The following is an entry in ClinVar:

NM_001211.6(BUB1B):c.440T>C (p.Ile147Thr)

Gene: BUB1B (BUB1 mitotic checkpoint serine/threonine kinase B; plus strand). Cytogenetic location: 15q15.1.
Variant type: single nucleotide variant.
Coding change: c.440T>C on transcript NM_001211.6 (MANE Select); coding-DNA position 440, T replaced by C.
Protein change: p.Ile147Thr; replaces isoleucine 147 with threonine.
Molecular consequence: missense variant.
Genome position (GRCh38, 1-based): chr15:40,176,532, T>C. VCF-style: chr15-40176532-T-C. GRCh37 (hg19) VCF-style: chr15-40468733-T-C.
Other names: short protein forms I147T.
Identifiers: ClinVar variation 403758 (VCV000403758.15), dbSNP rs763623522, ClinGen allele CA7475486.

ClinVar aggregate classification (germline): Uncertain significance. Review status: criteria provided, multiple submitters, no conflicts (2 of 4 stars). 4 submissions from 4 submitters: Uncertain significance (4). Last evaluated 2026-08-06.

Conditions:
Mosaic variegated aneuploidy syndrome 1 (MVA1). Also called: Warburton-Anyane-Yeboa syndrome. Identifiers: Orphanet 1052, MedGen C1850343, MONDO:0009759, OMIM 257300.
Premature chromatid separation trait (PCS). Also called: TOTAL PREMATURE CHROMATID SEPARATION TRAIT. Identifiers: MedGen C1864389, MONDO:0008304, OMIM 176430.
Colorectal cancer. Also called: Malignant Colorectal Neoplasm; Colorectal cancer, somatic. Identifiers: MedGen C0346629, MONDO:0005575, OMIM 114500.

Allele frequency attached by ClinVar (database versions not stated): gnomAD exomes 0.00004; TOPMed 0.00006; ExAC 0.00003; gnomAD 0.00003.
gnomAD v4.1: 82 of 1,614,040 alleles (0.0051%); highest among the groups gnomAD compares: Middle Eastern, 0.016%; no homozygotes.

Submissions (4):

OLLIN Analises Genomicas, OLLIN
Classification: Uncertain significance for Mosaic variegated aneuploidy syndrome 1. Last evaluated: 2026-08-06. Review status: criteria provided, single submitter. Criteria: ACMG Guidelines 2015 PMID 25741868. Collection method: clinical testing. Allele origin: germline. Inheritance: Autosomal recessive inheritance.
Comment: This missense variant, located in exon 5 (of 23), has been reported in ClinVar (accession VCV000403758.14) and in gnomAD with an allele frequency of 0.00508%. However, to our knowledge, it has not been reported in the scientific literature. In silico analysis predicts that this variant has a deleterious effect. According to the currently available evidence, this variant has been classified as uncertain significance (PM2_P, PP3_M).

Labcorp Genetics (formerly Invitae), Labcorp
Classification: Uncertain significance for Mosaic variegated aneuploidy syndrome 1. Last evaluated: 2025-12-28. Review status: criteria provided, single submitter. Criteria: Invitae Variant Classification Sherloc (09022015). Collection method: clinical testing. Allele origin: germline.
Comment: This sequence change replaces isoleucine, which is neutral and non-polar, with threonine, which is neutral and polar, at codon 147 of the BUB1B protein (p.Ile147Thr). This variant is present in population databases (rs763623522, gnomAD 0.009%). This missense change has been observed in individual(s) with prostate cancer, breast cancer, and/or pheochromocytoma (PMID: 39014450). ClinVar contains an entry for this variant (Variation ID: 403758). An algorithm developed to predict the effect of missense changes on protein structure and function (PolyPhen-2) suggests that this variant is likely to be disruptive. In summary, the available evidence is currently insufficient to determine the role of this variant in disease. Therefore, it has been classified as a Variant of Uncertain Significance.

Fulgent Genetics
Classification: Uncertain significance for Colorectal cancer; Premature chromatid separation trait; Mosaic variegated aneuploidy syndrome 1. Last evaluated: 2024-02-08. Review status: criteria provided, single submitter. Criteria: ACMG Guidelines, 2015. Collection method: clinical testing. Allele origin: germline.

Laboratorio de Genetica e Diagnostico Molecular, Hospital Israelita Albert Einstein
Classification: Uncertain significance. Last evaluated: 2020-07-02. Review status: criteria provided, single submitter. Criteria: ACMG Guidelines, 2015. Collection method: clinical testing. Allele origin: germline. Affected: yes.
Comment: ACMG classification criteria: PM2, PP3

Literature cited by the submitters: PubMed 39014450 (cited by Labcorp Genetics (formerly Invitae), Labcorp).